The following is an entry in ClinVar:

NM_000548.5(TSC2):c.1939G>C (p.Asp647His)

Gene: TSC2 (TSC complex subunit 2; plus strand). Cytogenetic location: 16p13.3.
Variant type: single nucleotide variant.
Coding change: c.1939G>C on transcript NM_000548.5 (MANE Select); coding-DNA position 1939, G replaced by C.
Protein change: p.Asp647His; replaces aspartic acid 647 with histidine.
Molecular consequence: missense variant.
Genome position (GRCh38, 1-based): chr16:2,071,609, G>C. VCF-style: chr16-2071609-G-C. GRCh37 (hg19) VCF-style: chr16-2121610-G-C.
Other names: c.1939G>C (NM_000548.3); c.1939G>C, p.Asp647His (NM_001077183.3, NM_001114382.3, NM_001363528.2 and 3 more transcripts); c.1828G>C, p.Asp610His (NM_001318827.2); c.1792G>C, p.Asp598His (NM_001318829.2); c.1339G>C, p.Asp447His (NM_001318831.2); c.1972G>C, p.Asp658His (NM_001318832.2); short protein forms D610H, D658H, D447H, D598H, D647H.
Identifiers: ClinVar variation 1426217 (VCV001426217.9), dbSNP rs45509392, ClinGen allele CA394273377.

ClinVar aggregate classification (germline): Uncertain significance. Review status: criteria provided, multiple submitters, no conflicts (2 of 4 stars). 2 submissions from 2 submitters: Uncertain significance (2). Last evaluated 2025-12-05.

Conditions:
Hereditary cancer-predisposing syndrome. Also called: Hereditary neoplastic syndrome; Tumor predisposition; Hereditary Cancer Syndrome; Neoplastic Syndromes, Hereditary. Identifiers: Orphanet 140162, MedGen C0027672, MeSH D009386, MONDO:0015356.
Tuberous sclerosis 2 (TSC2). Identifiers: Orphanet 805, MedGen C1860707, MONDO:0013199, OMIM 613254.

Submissions (2):

Ambry Genetics
Classification: Uncertain significance for Hereditary cancer-predisposing syndrome. Last evaluated: 2025-12-05. Review status: criteria provided, single submitter. Criteria: Ambry Variant Classification Scheme 2023. Collection method: clinical testing. Allele origin: germline.
Comment: The p.D647H variant (also known as c.1939G>C), located in coding exon 17 of the TSC2 gene, results from a G to C substitution at nucleotide position 1939. The aspartic acid at codon 647 is replaced by histidine, an amino acid with similar properties. This amino acid position is highly conserved in available vertebrate species. In addition, this alteration is predicted to be deleterious by in silico analysis. Based on the available evidence, the clinical significance of this variant remains unclear.

Labcorp Genetics (formerly Invitae), Labcorp
Classification: Uncertain significance for Tuberous sclerosis 2. Last evaluated: 2021-07-06. Review status: criteria provided, single submitter. Criteria: Invitae Variant Classification Sherloc (09022015). Collection method: clinical testing. Allele origin: germline.
Comment: This sequence change replaces aspartic acid with histidine at codon 647 of the TSC2 protein (p.Asp647His). The aspartic acid residue is highly conserved and there is a moderate physicochemical difference between aspartic acid and histidine. This variant is not present in population databases (ExAC no frequency). This variant has not been reported in the literature in individuals affected with TSC2-related conditions. Advanced modeling of protein sequence and biophysical properties (such as structural, functional, and spatial information, amino acid conservation, physicochemical variation, residue mobility, and thermodynamic stability) performed at Invitae indicates that this missense variant is not expected to disrupt TSC2 protein function. In summary, the available evidence is currently insufficient to determine the role of this variant in disease. Therefore, it has been classified as a Variant of Uncertain Significance.